The following is an entry in ClinVar:

ClinVar aggregate classification (germline): Uncertain significance (1 of 4 stars; one submission).

Conditions:
Familial adenomatous polyposis 1 (FAP1). Also called: FAMILIAL ADENOMATOUS POLYPOSIS 1, ATTENUATED; POLYPOSIS, ADENOMATOUS INTESTINAL. Identifiers: MedGen C2713442, MONDO:0021056, OMIM 175100. Disease mechanism: loss of function.

Submission:

Labcorp Genetics (formerly Invitae), Labcorp
Classification: Uncertain significance for Familial adenomatous polyposis 1. Last evaluated: 2021-09-01. Review status: criteria provided, single submitter. Criteria: Invitae Variant Classification Sherloc (09022015). Collection method: clinical testing. Allele origin: germline.
Comment: This variant occurs in a non-coding region of the APC gene. It does not change the encoded amino acid sequence of the APC protein. The frequency data for this variant in the population databases is considered unreliable, as metrics indicate insufficient coverage at this position in the ExAC database. This variant has not been reported in the literature in individuals affected with APC-related conditions. Experimental studies and prediction algorithms are not available or were not evaluated, and the functional significance of this variant is currently unknown. In summary, the available evidence is currently insufficient to determine the role of this variant in disease. Therefore, it has been classified as a Variant of Uncertain Significance.

NC_000005.10:g.112707315C>T

Gene: APC (APC regulator of Wnt signaling pathway; plus strand). Cytogenetic location: 5q22.2.
Variant type: single nucleotide variant.
Genome position: GRCh38 VCF-style: chr5-112707315-C-T. GRCh37 (hg19) VCF-style: chr5-112043012-C-T.
Identifiers: ClinVar variation 1001434 (VCV001001434.7), dbSNP rs1750548089, ClinGen allele CA1573442153.